The following is an entry in ClinVar:

ClinVar aggregate classification (germline): Uncertain significance. Review status: criteria provided, multiple submitters, no conflicts (2 of 4 stars). 3 submissions from 3 submitters: Uncertain significance (3). Last evaluated 2025-11-06.

Conditions:
RLBP1-related disorder. Also called: RLBP1-related disorders; RLBP1-related condition. Identifiers: MedGen CN239413.

Allele frequency attached by ClinVar (database versions not stated): ExAC 0.00002; gnomAD exomes 0.00002 and 0.00003; TOPMed 0.00003; gnomAD 0.00005.

Submissions (3):

PreventionGenetics, part of Exact Sciences
Classification: Uncertain significance for RLBP1-related condition. Last evaluated: 2025-11-06. Review status: criteria provided, single submitter. Criteria: ACMG Guidelines, 2015. Collection method: clinical testing. Allele origin: germline.
Comment: The RLBP1 c.646C>T variant is predicted to result in the amino acid substitution p.Arg216Trp. To our knowledge, this variant has not been reported in the literature. This variant is present in 0.0065% of alleles in individuals of South Asian descent in gnomAD. At this time, the clinical significance of this variant is uncertain due to the absence of conclusive functional and genetic evidence.

Blueprint Genetics
Classification: Uncertain significance. Last evaluated: 2022-07-13. Review status: criteria provided, single submitter. Criteria: ACMG Guidelines, 2015. Collection method: clinical testing. Allele origin: germline.

Labcorp Genetics (formerly Invitae), Labcorp
Classification: Uncertain significance. Last evaluated: 2022-07-05. Review status: criteria provided, single submitter. Criteria: Invitae Variant Classification Sherloc (09022015). Collection method: clinical testing. Allele origin: germline.
Comment: This sequence change replaces arginine, which is basic and polar, with tryptophan, which is neutral and slightly polar, at codon 216 of the RLBP1 protein (p.Arg216Trp). This variant is present in population databases (rs747097996, gnomAD 0.006%). This variant has not been reported in the literature in individuals affected with RLBP1-related conditions. ClinVar contains an entry for this variant (Variation ID: 958769). Algorithms developed to predict the effect of missense changes on protein structure and function are either unavailable or do not agree on the potential impact of this missense change (SIFT: "Deleterious"; PolyPhen-2: "Probably Damaging"; Align-GVGD: "Class C0"). In summary, the available evidence is currently insufficient to determine the role of this variant in disease. Therefore, it has been classified as a Variant of Uncertain Significance.

NM_000326.5(RLBP1):c.646C>T (p.Arg216Trp)

Gene: RLBP1 (retinaldehyde binding protein 1; minus strand). Cytogenetic location: 15q26.1.
Variant type: single nucleotide variant.
Coding change: c.646C>T on transcript NM_000326.5 (MANE Select); coding-DNA position 646, C replaced by T.
Protein change: p.Arg216Trp; replaces arginine 216 with tryptophan.
Molecular consequence: missense variant.
Genome position (GRCh38, 1-based): chr15:89,211,781, G>A on the plus strand (C>T on the coding strand, the complement: RLBP1 is on the minus strand). VCF-style: chr15-89211781-G-A. GRCh37 (hg19) VCF-style: chr15-89755012-G-A.
Other names: short protein forms R216W.
Identifiers: ClinVar variation 958769 (VCV000958769.9), dbSNP rs747097996, ClinGen allele CA7722231.